The following is an entry in ClinVar:

ClinVar aggregate classification (germline): Uncertain significance (1 of 4 stars; one submission).

Submission:

Labcorp Genetics (formerly Invitae), Labcorp
Classification: Uncertain significance. Last evaluated: 2021-07-26. Review status: criteria provided, single submitter. Criteria: Invitae Variant Classification Sherloc (09022015). Collection method: clinical testing. Allele origin: germline.
Comment: This variant has not been reported in the literature in individuals affected with MMP2-related conditions. In summary, the available evidence is currently insufficient to determine the role of this variant in disease. Therefore, it has been classified as a Variant of Uncertain Significance. Experimental studies and prediction algorithms are not available or were not evaluated, and the functional significance of this variant is currently unknown. This variant is a gross deletion of the genomic region encompassing exon(s) 12-13 of the MMP2 gene. The 5' boundary is likely confined to intron 11. The 3' end of this event is unknown as it extends through the termination codon beyond the assayed region for this gene and may encompass additional genes. While this deletion is not anticipated to lead to nonsense mediated decay, it is expected to alter mRNA translation or result in a truncated protein product.

NC_000016.9:g.(?_55536671)_(55539354_?)del

Gene: MMP2 (matrix metallopeptidase 2; plus strand). Cytogenetic location: 16q12.2.
Variant type: Deletion.
Identifiers: ClinVar variation 1374880 (VCV001374880.4).